The following is an entry in ClinVar:

NM_006939.4(SOS2):c.592A>T (p.Asn198Tyr)

Gene: SOS2 (SOS Ras/Rho guanine nucleotide exchange factor 2; minus strand). Cytogenetic location: 14q21.3.
Variant type: single nucleotide variant.
Coding change: c.592A>T on transcript NM_006939.4 (MANE Select); coding-DNA position 592, A replaced by T.
Protein change: p.Asn198Tyr; replaces asparagine 198 with tyrosine.
Molecular consequence: missense variant.
Genome position (GRCh38, 1-based): chr14:50,188,619, T>A on the plus strand (A>T on the coding strand, the complement: SOS2 is on the minus strand). VCF-style: chr14-50188619-T-A. GRCh37 (hg19) VCF-style: chr14-50655337-T-A.
Other names: c.592A>T (NM_006939.2); short protein forms N198Y.
Identifiers: ClinVar variation 1524485 (VCV001524485.7), dbSNP rs753283972, ClinGen allele CA7177493.

ClinVar aggregate classification (germline): Conflicting classifications of pathogenicity. Review status: criteria provided, conflicting classifications (1 of 4 stars). 2 submissions from 2 submitters: Uncertain significance (1); Likely benign (1). Last evaluated 2025-12-25.

Conditions:
Noonan syndrome 9 (NS9). Identifiers: Orphanet 648, MedGen C4225282, MONDO:0014691, OMIM 616559.
Cardiovascular phenotype. Identifiers: MedGen CN230736.

Allele frequency attached by ClinVar (database versions not stated): ExAC 0.00001; gnomAD exomes 0.00001.
gnomAD v4.1: 7 of 1,610,716 alleles (0.00043%); highest among the groups gnomAD compares: Non-Finnish European, 0.00059%; no homozygotes.

Submissions (2):

Labcorp Genetics (formerly Invitae), Labcorp
Classification: Likely benign for Noonan syndrome 9. Last evaluated: 2025-12-25. Review status: criteria provided, single submitter. Criteria: Invitae Variant Classification Sherloc (09022015). Collection method: clinical testing. Allele origin: germline.

Ambry Genetics
Classification: Uncertain significance for Cardiovascular phenotype. Last evaluated: 2024-01-16. Review status: criteria provided, single submitter. Criteria: Ambry Variant Classification Scheme 2023. Collection method: clinical testing. Allele origin: germline.
Comment: The p.N198Y variant (also known as c.592A>T), located in coding exon 5 of the SOS2 gene, results from an A to T substitution at nucleotide position 592. The asparagine at codon 198 is replaced by tyrosine, an amino acid with dissimilar properties. This amino acid position is conserved. In addition, the in silico prediction for this alteration is inconclusive. Since supporting evidence is limited at this time, the clinical significance of this alteration remains unclear.